The following is an entry in ClinVar:

NM_000152.5(GAA):c.2227C>A (p.Gln743Lys)

Gene: GAA (alpha glucosidase; plus strand). Cytogenetic location: 17q25.3.
Variant type: single nucleotide variant.
Coding change: c.2227C>A on transcript NM_000152.5 (MANE Select); coding-DNA position 2227, C replaced by A.
Protein change: p.Gln743Lys; replaces glutamine 743 with lysine.
Molecular consequence: missense variant.
Genome position (GRCh38, 1-based): chr17:80,117,005, C>A. VCF-style: chr17-80117005-C-A. GRCh37 (hg19) VCF-style: chr17-78090804-C-A.
Other names: c.2227C>A, p.Gln743Lys (NM_001079803.3, NM_001079804.3, NM_001406741.1 and 1 more transcripts); short protein forms Q743K.
Identifiers: ClinVar variation 4876656 (VCV004876656.1).

ClinVar aggregate classification (germline): Uncertain significance (1 of 4 stars; one submission).

Conditions:
Glycogen storage disease, type II (IOPD). Also called: Pompe Disease; CARDIOMEGALIA GLYCOGENICA DIFFUSA; GLYCOGENOSIS, GENERALIZED, CARDIAC FORM; GSD II; POMPE DISEASE, INFANTILE-ONSET; GLYCOGEN STORAGE DISEASE II, INFANTILE-ONSET. Identifiers: Orphanet 365, MedGen C0017921, MONDO:0009290, OMIM 232300.

gnomAD v4.1: 1 of 1,613,794 alleles (0.000062%); highest among the groups gnomAD compares: Non-Finnish European, 0.000085%; no homozygotes.

Submission:

Genomenon, Inc
Classification: Uncertain significance for Glycogen storage disease, type II. Last evaluated: 2026-07-01. Review status: criteria provided, single submitter. Criteria: Genomenon Sequence Variant Interpretation Standards - Updated. Collection method: curation. Allele origin: germline. Affected: no.
Comment: GAA p.Gln743Lys (c.2227C>A) is a missense variant that changes the amino acid at codon 743 from Glutamine to Lysine. To our knowledge, this variant has not been reported in patients affected with a GAA-related disorder in the published literature. At least one functional study has demonstrated a substantial alteration in protein function relative to the wild-type (PMID:22644586). The presence of pathogenic/likely pathogenic missense variant(s) at the same amino acid position indicates that this residue is likely important for protein function. It is absent or not present at a significant frequency in gnomAD. In silico models predict that this variant is possibly or probably damaging. In conclusion, we classify GAA p.Gln743Lys (c.2227C>A) as a variant of uncertain significance.

Literature cited by the submitters: PubMed 22644586.